The following is an entry in ClinVar:

NM_005506.4(SCARB2):c.869T>A (p.Leu290Gln)

Gene: SCARB2 (scavenger receptor class B member 2; minus strand). Cytogenetic location: 4q21.1.
Variant type: single nucleotide variant.
Coding change: c.869T>A on transcript NM_005506.4 (MANE Select); coding-DNA position 869, T replaced by A.
Protein change: p.Leu290Gln; replaces leucine 290 with glutamine.
Molecular consequence: missense variant.
Genome position (GRCh38, 1-based): chr4:76,174,269, A>T on the plus strand (T>A on the coding strand, the complement: SCARB2 is on the minus strand). VCF-style: chr4-76174269-A-T. GRCh37 (hg19) VCF-style: chr4-77095422-A-T.
Other names: c.440T>A, p.Leu147Gln (NM_001204255.2); short protein forms L290Q, L147Q.
Identifiers: ClinVar variation 531804 (VCV000531804.8), dbSNP rs1553948019, ClinGen allele CA357315946.

ClinVar aggregate classification (germline): Uncertain significance (1 of 4 stars; one submission).

Conditions:
Progressive myoclonic epilepsy. Also called: Familial progressive myoclonic epilepsy; Myoclonus epilepsy; Progressive myoclonus epilepsy; Myoclonic Epilepsies, Progressive. Identifiers: Orphanet 308, Orphanet 98261, MedGen C0751778, MONDO:0020074.

Submission:

Labcorp Genetics (formerly Invitae), Labcorp
Classification: Uncertain significance for Progressive myoclonic epilepsy. Last evaluated: 2025-11-17. Review status: criteria provided, single submitter. Criteria: Invitae Variant Classification Sherloc (09022015). Collection method: clinical testing. Allele origin: germline.
Comment: This sequence change replaces leucine, which is neutral and non-polar, with glutamine, which is neutral and polar, at codon 290 of the SCARB2 protein (p.Leu290Gln). This variant is not present in population databases (gnomAD no frequency). This variant has not been reported in the literature in individuals affected with SCARB2-related conditions. ClinVar contains an entry for this variant (Variation ID: 531804). Invitae Evidence Modeling of protein sequence and biophysical properties (such as structural, functional, and spatial information, amino acid conservation, physicochemical variation, residue mobility, and thermodynamic stability) indicates that this missense variant is not expected to disrupt SCARB2 protein function with a negative predictive value of 80%. In summary, the available evidence is currently insufficient to determine the role of this variant in disease. Therefore, it has been classified as a Variant of Uncertain Significance.